The following is an entry in ClinVar:

NM_004304.5(ALK):c.1252G>C (p.Asp418His)

Gene: ALK (ALK receptor tyrosine kinase; minus strand). Cytogenetic location: 2p23.2.
Variant type: single nucleotide variant.
Coding change: c.1252G>C on transcript NM_004304.5 (MANE Select); coding-DNA position 1252, G replaced by C.
Protein change: p.Asp418His; replaces aspartic acid 418 with histidine.
Molecular consequence: missense variant.
Genome position (GRCh38, 1-based): chr2:29,383,762, C>G on the plus strand (G>C on the coding strand, the complement: ALK is on the minus strand). VCF-style: chr2-29383762-C-G. GRCh37 (hg19) VCF-style: chr2-29606628-C-G.
Other names: short protein forms D418H.
Identifiers: ClinVar variation 2415060 (VCV002415060.6), dbSNP rs1434832173, ClinGen allele CA346585137.

ClinVar aggregate classification (germline): Uncertain significance (1 of 4 stars; one submission).

Conditions:
Neuroblastoma, susceptibility to, 3. Also called: ALK-Related Neuroblastic Tumor Susceptibility. Identifiers: Orphanet 635, MedGen C2751681, MONDO:0013083, OMIM 613014.

Allele frequency attached by ClinVar (database versions not stated): gnomAD exomes below 0.00001.
gnomAD v4.1: 1 of 1,614,142 alleles (0.000062%); highest among the groups gnomAD compares: East Asian, 0.0022%; no homozygotes.

Submission:

Labcorp Genetics (formerly Invitae), Labcorp
Classification: Uncertain significance for Neuroblastoma, susceptibility to, 3. Last evaluated: 2024-05-31. Review status: criteria provided, single submitter. Criteria: Invitae Variant Classification Sherloc (09022015). Collection method: clinical testing. Allele origin: germline.
Comment: This sequence change replaces aspartic acid, which is acidic and polar, with histidine, which is basic and polar, at codon 418 of the ALK protein (p.Asp418His). This variant is present in population databases (no rsID available, gnomAD 0.006%). This variant has not been reported in the literature in individuals affected with ALK-related conditions. ClinVar contains an entry for this variant (Variation ID: 2415060). An algorithm developed to predict the effect of missense changes on protein structure and function (PolyPhen-2) suggests that this variant is likely to be disruptive. In summary, the available evidence is currently insufficient to determine the role of this variant in disease. Therefore, it has been classified as a Variant of Uncertain Significance.